The following is an entry in ClinVar:

NC_012920.1(MT-ND4):m.11708A>G

Gene: MT-ND4 (mitochondrially encoded NADH dehydrogenase 4; plus strand).
Variant type: single nucleotide variant.
Genome position: chrM-11708-A-G.
Identifiers: ClinVar variation 693376 (VCV000693376.1), dbSNP rs386829138, ClinGen allele CA414810783.

ClinVar aggregate classification (germline): Likely benign (1 of 4 stars; one submission).

Conditions:
Leigh syndrome (NULS). Also called: Leigh's necrotizing encephalopathy; Leigh's disease; Leigh Syndrome (mtDNA deletion); Leigh Disease; Subacute necrotizing encephalopathy; Necrotizing encephalopathy infantile subacute of Leigh. Identifiers: Orphanet 506, MedGen C2931891, MONDO:0009723, OMIM 256000.

Submission:

Wong Mito Lab, Molecular and Human Genetics, Baylor College of Medicine
Classification: Likely benign for Leigh syndrome. Last evaluated: 2019-10-17. Review status: criteria provided, single submitter. Criteria: Modified ACMG Guidelines (Unpublished). Collection method: clinical testing. Allele origin: germline.
Comment: The NC_012920.1:m.11708A>G (YP_003024035.1:p.Ile317Val) variant in MTND4 gene is interpretated to be a Likely Benign variant based on the modified ACMG guidelines (unpublished). This variant meets the following evidence codes: BS1, BP4